The following is an entry in ClinVar:

ClinVar aggregate classification (germline): Uncertain significance. Review status: criteria provided, multiple submitters, no conflicts (2 of 4 stars). 2 submissions from 2 submitters: Uncertain significance (2). Last evaluated 2024-03-08.

Conditions:
Fanconi anemia complementation group P. Also called: SLX4-Related Fanconi Anemia. Identifiers: Orphanet 84, MedGen C3469542, MONDO:0013499, OMIM 613951.
Fanconi anemia (FA). Also called: Fanconi's anemia. Identifiers: Orphanet 84, MedGen C0015625, MeSH D005199, MONDO:0019391.

Allele frequency attached by ClinVar (database versions not stated): gnomAD 0.00003; ExAC 0.00004; TOPMed 0.00004; ESP Exome Variant Server 0.00015.
gnomAD v4.1: 38 of 1,613,986 alleles (0.0024%); highest among the groups gnomAD compares: African/African-American, 0.0053%; no homozygotes.

Submissions (2):

Fulgent Genetics
Classification: Uncertain significance for Fanconi anemia complementation group P. Last evaluated: 2024-03-08. Review status: criteria provided, single submitter. Criteria: ACMG Guidelines, 2015. Collection method: clinical testing. Allele origin: germline.

Labcorp Genetics (formerly Invitae), Labcorp
Classification: Uncertain significance for Fanconi anemia. Last evaluated: 2022-07-24. Review status: criteria provided, single submitter. Criteria: Invitae Variant Classification Sherloc (09022015). Collection method: clinical testing. Allele origin: germline.
Comment: This sequence change replaces arginine, which is basic and polar, with glutamine, which is neutral and polar, at codon 429 of the SLX4 protein (p.Arg429Gln). This variant is present in population databases (rs141625470, gnomAD 0.01%). This variant has not been reported in the literature in individuals affected with SLX4-related conditions. Algorithms developed to predict the effect of missense changes on protein structure and function are either unavailable or do not agree on the potential impact of this missense change (SIFT: "Deleterious"; PolyPhen-2: "Probably Damaging"; Align-GVGD: "Class C0"). In summary, the available evidence is currently insufficient to determine the role of this variant in disease. Therefore, it has been classified as a Variant of Uncertain Significance.

NM_032444.4(SLX4):c.1286G>A (p.Arg429Gln)

Gene: SLX4 (SLX4 structure-specific endonuclease subunit; minus strand). Cytogenetic location: 16p13.3.
Variant type: single nucleotide variant.
Coding change: c.1286G>A on transcript NM_032444.4 (MANE Select); coding-DNA position 1286, G replaced by A.
Protein change: p.Arg429Gln; replaces arginine 429 with glutamine.
Molecular consequence: missense variant.
Genome position (GRCh38, 1-based): chr16:3,597,877, C>T on the plus strand (G>A on the coding strand, the complement: SLX4 is on the minus strand). VCF-style: chr16-3597877-C-T. GRCh37 (hg19) VCF-style: chr16-3647878-C-T.
Other names: short protein forms R429Q.
Identifiers: ClinVar variation 2154371 (VCV002154371.2), dbSNP rs141625470, ClinGen allele CA7866567.